The following is an entry in ClinVar:

ClinVar aggregate classification (germline): Pathogenic (1 of 4 stars; one submission).

Conditions:
Developmental and epileptic encephalopathy. Identifiers: MedGen C5779964, MONDO:0100620.

Submission:

Labcorp Genetics (formerly Invitae), Labcorp
Classification: Pathogenic for Early-infantile DEE. Last evaluated: 2022-12-06. Review status: criteria provided, single submitter. Criteria: Invitae Variant Classification Sherloc (09022015). Collection method: clinical testing. Allele origin: unknown.
Comment: For these reasons, this variant has been classified as Pathogenic. This variant has not been reported in the literature in individuals affected with SCN1A-related conditions. This variant is a gross deletion of the genomic region encompassing exon(s) 5-6 of the SCN1A gene. This deletion is out-of-frame, and is expected to create a premature termination codon and result in an absent or disrupted protein product. Loss-of-function variants in SCN1A are known to be pathogenic (PMID: 17347258, 18930999).

Literature cited by the submitters: PubMed 17347258; PubMed 18930999.

NC_000002.11:g.(?_166908209)_(166909544_?)del

Gene: SCN1A (sodium voltage-gated channel alpha subunit 1; minus strand). Cytogenetic location: 2q24.3.
Variant type: Deletion.
Identifiers: ClinVar variation 3247194 (VCV003247194.1).